The following is an entry in ClinVar:

ClinVar aggregate classification (germline): Conflicting classifications of pathogenicity. Review status: criteria provided, conflicting classifications (1 of 4 stars). 5 submissions from 4 submitters: Uncertain significance (2); Benign (1); Likely benign (2). Last evaluated 2025-05-04.

Conditions:
Diffuse nonepidermolytic palmoplantar keratoderma (NEPPK). Also called: Nonepidermolytic palmoplantar keratoderma; Nonepidermolytic palmoplantar hyperkeratosis. Identifiers: Orphanet 530838, MedGen C1833030, MONDO:0010962, OMIM 600962, HP:0007404.
KRT1-related disorder. Also called: KRT1-related condition.
Inborn genetic diseases. Identifiers: MedGen C0950123, MeSH D030342.
Epidermolytic ichthyosis. Also called: Bullous ichthyosiform erythroderma; Epidermolytic Hyperkeratosis; Congenital bullous ichthyosiform erythroderma; KRT10-Related Epidermolytic Hyperkeratosis. Identifiers: Orphanet 312, MedGen C0079153, MONDO:0007239, HP:0007475.

Allele frequency attached by ClinVar (database versions not stated): gnomAD 0.00009; TOPMed 0.00012; ESP Exome Variant Server 0.00015; 1000 Genomes Project 30x 0.00016; 1000 Genomes Project 0.00020.
gnomAD v4.1: 171 of 1,613,844 alleles (0.011%); highest among the groups gnomAD compares: Middle Eastern, 0.17%; 1 homozygote.

Submissions (5):

PreventionGenetics, part of Exact Sciences
Classification: Uncertain significance for KRT1-related condition. Last evaluated: 2025-05-04. Review status: criteria provided, single submitter. Criteria: ACMG Guidelines, 2015. Collection method: clinical testing. Allele origin: germline.
Comment: The KRT1 c.1912A>G variant is predicted to result in the amino acid substitution p.Thr638Ala. To our knowledge, this variant has not been reported in the literature. This variant is reported in 0.025% of alleles in individuals of Latino descent in gnomAD. At this time, the clinical significance of this variant is uncertain due to the absence of conclusive functional and genetic evidence.

Labcorp Genetics (formerly Invitae), Labcorp
Classification: Likely benign. Last evaluated: 2025-05-02. Review status: criteria provided, single submitter. Criteria: Invitae Variant Classification Sherloc (09022015). Collection method: clinical testing. Allele origin: germline.

Ambry Genetics
Classification: Uncertain significance for Inborn genetic diseases. Last evaluated: 2021-08-12. Review status: criteria provided, single submitter. Criteria: Ambry Variant Classification Scheme 2023. Collection method: clinical testing. Allele origin: germline.

Illumina Laboratory Services, Illumina
Classification: Likely benign for Diffuse nonepidermolytic palmoplantar keratoderma. Last evaluated: 2018-01-13. Review status: criteria provided, single submitter. Criteria: ICSL Variant Classification Criteria 13 December 2019. Collection method: clinical testing. Allele origin: germline.
Comment: This variant was observed in the ICSL laboratory as part of a predisposition screen in an ostensibly healthy population. It had not been previously curated by ICSL or reported in the Human Gene Mutation Database (HGMD: prior to June 1st, 2018), and was therefore a candidate for classification through an automated scoring system. Utilizing variant allele frequency, disease prevalence and penetrance estimates, and inheritance mode, an automated score was calculated to assess if this variant is too frequent to cause the disease. Based on the score and internal cut-off values, a variant classified as likely benign is not then subjected to further curation. The score for this variant resulted in a classification of likely benign for this disease.

Illumina Laboratory Services, Illumina
Classification: Benign for Epidermolytic hyperkeratosis 1. Last evaluated: 2018-01-13. Review status: criteria provided, single submitter. Criteria: ICSL Variant Classification Criteria 13 December 2019. Collection method: clinical testing. Allele origin: germline.
Comment: This variant was observed in the ICSL laboratory as part of a predisposition screen in an ostensibly healthy population. It had not been previously curated by ICSL or reported in the Human Gene Mutation Database (HGMD: prior to June 1st, 2018), and was therefore a candidate for classification through an automated scoring system. Utilizing variant allele frequency, disease prevalence and penetrance estimates, and inheritance mode, an automated score was calculated to assess if this variant is too frequent to cause the disease. Based on the score and internal cut-off values, a variant classified as benign is not then subjected to further curation. The score for this variant resulted in a classification of benign for this disease.

NM_006121.4(KRT1):c.1912A>G (p.Thr638Ala)

Gene: KRT1 (keratin 1; minus strand). Cytogenetic location: 12q13.13.
Variant type: single nucleotide variant.
Coding change: c.1912A>G on transcript NM_006121.4 (MANE Select); coding-DNA position 1912, A replaced by G.
Protein change: p.Thr638Ala; replaces threonine 638 with alanine.
Molecular consequence: missense variant.
Genome position (GRCh38, 1-based): chr12:52,675,216, T>C on the plus strand (A>G on the coding strand, the complement: KRT1 is on the minus strand). VCF-style: chr12-52675216-T-C. GRCh37 (hg19) VCF-style: chr12-53069000-T-C.
Other names: short protein forms T638A.
Identifiers: ClinVar variation 309636 (VCV000309636.8), dbSNP rs140098565, ClinGen allele CA6586003.
Genomic context (GRCh38, chr12:52,675,216, plus strand): 5'-GGGGAGAACTAGAGCTAATGAAACAGAGGGCATCTCTTTATCTGGTTACTCCGGAATAAG[T>C]GGTAGAAACAAACTTCACGCTGGAACTGCCACCAGAGGACTTGACACCCCCAGAGCTGGA-3'
Protein context (NP_006112.3, residues 628-644): GSSSVKFVST[Thr638Ala]YSGVTR